The following is an entry in ClinVar:

NM_002693.3(POLG):c.1988_1989del (p.Gln663fs)

Gene: POLG (DNA polymerase gamma, catalytic subunit; minus strand). Cytogenetic location: 15q26.1.
Variant type: Deletion.
Coding change: c.1988_1989del on transcript NM_002693.3 (MANE Select); coding-DNA positions 1988 to 1989, 2 bases deleted (AG; older notation c.1988_1989delAG).
Protein change: p.Gln663fs; shifts the reading frame from glutamine 663.
Molecular consequence: frameshift variant.
Genome position (GRCh38, 1-based): chr15:89,324,188-89,324,189, CT deleted on the plus strand (AG on the coding strand, the reverse complement: POLG is on the minus strand). VCF-style (leftmost placement, unchanged base first): chr15-89324187-CCT-C. GRCh37 (hg19) VCF-style: chr15-89867418-CCT-C.
Other names: c.1988_1989del, p.Gln663fs (NM_001126131.2); short protein forms Q663fs.
Identifiers: ClinVar variation 1300974 (VCV001300974.8), dbSNP rs1483201828, ClinGen allele CA716906695.

ClinVar aggregate classification (germline): Pathogenic/Likely pathogenic. Review status: criteria provided, multiple submitters, no conflicts (2 of 4 stars). 4 submissions from 4 submitters: Pathogenic (2); Likely pathogenic (2). Last evaluated 2024-05-18.

Conditions:
POLG-related disorder. Also called: POLG-related condition; POLG-Related Disorders; POLG-Related Spectrum Disorders. Identifiers: MedGen C4763519.
Progressive sclerosing poliodystrophy (MTDPS4A). Also called: Alpers Syndrome; ALPERS DIFFUSE DEGENERATION OF CEREBRAL GRAY MATTER WITH HEPATIC CIRRHOSIS; Alpers-Huttenlocher Syndrome; ALPERS PROGRESSIVE INFANTILE POLIODYSTROPHY; NEURONAL DEGENERATION OF CHILDHOOD WITH LIVER DISEASE, PROGRESSIVE; Mitochondrial DNA Depletion Syndrome 4A. Identifiers: Orphanet 726, MedGen C0205710, MONDO:0008758, OMIM 203700.

Allele frequency attached by ClinVar (database versions not stated): gnomAD exomes below 0.00001; TOPMed below 0.00001.

Submissions (4):

Myriad Genetics, Inc.
Classification: Pathogenic for POLG-related disorder. Last evaluated: 2024-05-18. Review status: criteria provided, single submitter. Criteria: Myriad Autosomal Dominant, Autosomal Recessive and X-Linked Classification Criteria (2023). Collection method: clinical testing. Allele origin: unknown.
Comment: NM_002693.2(POLG):c.1988_1989delAG(Q663Rfs*20) is expected to be pathogenic in the context of POLG-related disorders. This variant is predicted to lead to an abnormal or absent protein product due to the creation of a premature termination codon in POLG, a gene where loss-of-function variants are known to be pathogenic. Please note: this variant was assessed in the context of healthy population screening.

Labcorp Genetics (formerly Invitae), Labcorp
Classification: Pathogenic for Progressive sclerosing poliodystrophy. Last evaluated: 2023-10-31. Review status: criteria provided, single submitter. Criteria: Invitae Variant Classification Sherloc (09022015). Collection method: clinical testing. Allele origin: germline.
Comment: This sequence change creates a premature translational stop signal (p.Gln663Argfs*20) in the POLG gene. It is expected to result in an absent or disrupted protein product. Loss-of-function variants in POLG are known to be pathogenic (PMID: 18546365). This variant is not present in population databases (gnomAD no frequency). This variant has not been reported in the literature in individuals affected with POLG-related conditions. ClinVar contains an entry for this variant (Variation ID: 1300974). For these reasons, this variant has been classified as Pathogenic.

GeneDx
Classification: Likely pathogenic. Last evaluated: 2021-10-07. Review status: criteria provided, single submitter. Criteria: GeneDx Variant Classification Process June 2021. Collection method: clinical testing. Allele origin: germline. Affected: yes.
Comment: Frameshift variant predicted to result in protein truncation or nonsense mediated decay in a gene for which loss-of-function is a known mechanism of disease; Not observed at significant frequency in large population cohorts (Lek et al., 2016); Has not been previously published as pathogenic or benign to our knowledge

Blueprint Genetics
Classification: Likely pathogenic for POLG-related disorders. Last evaluated: 2020-03-26. Review status: criteria provided, single submitter. Criteria: ACMG Guidelines, 2015. Collection method: clinical testing. Allele origin: germline. Affected: yes. Observed: 1 variant allele.

Literature cited by the submitters: PubMed 18546365 (cited by Labcorp Genetics (formerly Invitae), Labcorp).